The following is an entry in ClinVar:

ClinVar aggregate classification (germline): Uncertain significance (1 of 4 stars; one submission).

gnomAD v4.1: 4 of 1,117,150 alleles (0.00036%); highest among the groups gnomAD compares: African/African-American, 0.0019%; no homozygotes.

Submission:

CeGaT Center for Human Genetics Tuebingen
Classification: Uncertain significance. Last evaluated: 2024-05-01. Review status: criteria provided, single submitter. Criteria: CeGaT Center For Human Genetics Tuebingen Variant Classification Criteria Version 2. Collection method: clinical testing. Allele origin: germline. Affected: yes. Observed: 1 variant allele.
Comment: OTUD5: PM2, PP2

NM_001136157.2(OTUD5):c.277C>A (p.Pro93Thr)

Gene: OTUD5 (OTU deubiquitinase 5; minus strand). Cytogenetic location: Xp11.23.
Variant type: single nucleotide variant.
Coding change: c.277C>A on transcript NM_001136157.2 (MANE Select); coding-DNA position 277, C replaced by A.
Protein change: p.Pro93Thr; replaces proline 93 with threonine.
Molecular consequence: missense variant. On other transcripts: intron variant (1).
Genome position (GRCh38, 1-based): chrX:48,957,294, G>T on the plus strand (C>A on the coding strand, the complement: OTUD5 is on the minus strand). VCF-style: chrX-48957294-G-T. GRCh37 (hg19) VCF-style: chrX-48814556-G-T.
Other names: c.277C>A, p.Pro93Thr (NM_001136158.2, NM_017602.4); c.-58+938C>A (NM_001136159.2); short protein forms P93T.
Identifiers: ClinVar variation 3239487 (VCV003239487.19), dbSNP rs1436381034.